The following is an entry in ClinVar:

NM_005876.5(SPEG):c.827A>C (p.Gln276Pro)

Gene: SPEG (striated muscle enriched protein kinase; plus strand). Cytogenetic location: 2q35.
Variant type: single nucleotide variant.
Coding change: c.827A>C on transcript NM_005876.5 (MANE Select); coding-DNA position 827, A replaced by C.
Protein change: p.Gln276Pro; replaces glutamine 276 with proline.
Molecular consequence: missense variant.
Genome position (GRCh38, 1-based): chr2:219,447,985, A>C. VCF-style: chr2-219447985-A-C. GRCh37 (hg19) VCF-style: chr2-220312707-A-C.
Other names: short protein forms Q276P.
Identifiers: ClinVar variation 3448359 (VCV003448359.3).
Genomic context (GRCh38, chr2:219,447,985, plus strand): 5'-GAGAGGAGGCCCCCTGAATCCTCTACCCTTCTCCATCTTGGTTCTGCAGCAGCGTCCCTC[A>C]GAGCGGGTTGCGCAGGGAGGAGCCCGACCTTCAGCCTCAACTGGCCAGCGAAGCCCCACG-3'
Protein context (NP_005867.3, residues 266-286): RALSIHVSVP[Gln276Pro]SGLRREEPDL

ClinVar aggregate classification (germline): Uncertain significance. Review status: criteria provided, multiple submitters, no conflicts (2 of 4 stars). 2 submissions from 2 submitters: Uncertain significance (2). Last evaluated 2025-11-17.

Conditions:
Inborn genetic diseases. Identifiers: MedGen C0950123, MeSH D030342.

gnomAD v4.1: 8 of 1,612,460 alleles (0.0005%); highest among the groups gnomAD compares: Admixed American, 0.0067%; no homozygotes.

Submissions (2):

Labcorp Genetics (formerly Invitae), Labcorp
Classification: Uncertain significance. Last evaluated: 2025-11-17. Review status: criteria provided, single submitter. Criteria: Invitae Variant Classification Sherloc (09022015). Collection method: clinical testing. Allele origin: germline.
Comment: This sequence change replaces glutamine, which is neutral and polar, with proline, which is neutral and non-polar, at codon 276 of the SPEG protein (p.Gln276Pro). This variant is present in population databases (rs755439723, gnomAD 0.001%). This variant has not been reported in the literature in individuals affected with SPEG-related conditions. ClinVar contains an entry for this variant (Variation ID: 3448359). An algorithm developed to predict the effect of missense changes on protein structure and function outputs the following: PolyPhen-2: "Benign". The proline amino acid residue is found in multiple mammalian species, which suggests that this missense change does not adversely affect protein function. In summary, the available evidence is currently insufficient to determine the role of this variant in disease. Therefore, it has been classified as a Variant of Uncertain Significance.

Ambry Genetics
Classification: Uncertain significance for Inborn genetic diseases. Last evaluated: 2024-10-25. Review status: criteria provided, single submitter. Criteria: Ambry Variant Classification Scheme 2023. Collection method: clinical testing. Allele origin: germline.